The following is an entry in ClinVar:

NM_004385.5(VCAN):c.7547C>T (p.Thr2516Ile)

Genes: VCAN-AS1 (VCAN antisense RNA 1; minus strand), VCAN (versican; plus strand). Cytogenetic location: 5q14.3.
Variant type: single nucleotide variant.
Coding change: c.7547C>T on transcript NM_004385.5 (MANE Select); coding-DNA position 7547, C replaced by T.
Protein change: p.Thr2516Ile; replaces threonine 2516 with isoleucine.
Molecular consequence: missense variant. On other transcripts: intron variant (2).
Genome position (GRCh38, 1-based): chr5:83,540,550, C>T. VCF-style: chr5-83540550-C-T. GRCh37 (hg19) VCF-style: chr5-82836369-C-T.
Other names: c.4586C>T, p.Thr1529Ile (NM_001164097.2); c.4004-4987C>T (NM_001164098.2); c.1043-4987C>T (NM_001126336.3); short protein forms T2516I, T1529I.
Identifiers: ClinVar variation 860469 (VCV000860469.9), dbSNP rs79327411, ClinGen allele CA3333659.
Genomic context (GRCh38, chr5:83,540,550, plus strand): 5'-ACAAAAGCTCCCCTGATCCAACTAGCACACTGTCAAATACAGTGTCATATGAGAGGTCCA[C>T]AGACGGTAGTTTCCAAGACCGTTTCAGGGAATTCGAGGATTCCACCTTAAAACCTAACAG-3'
Protein context (NP_004376.2, residues 2506-2526): LSNTVSYERS[Thr2516Ile]DGSFQDRFRE

ClinVar aggregate classification (germline): Uncertain significance. Review status: criteria provided, multiple submitters, no conflicts (2 of 4 stars). 2 submissions from 2 submitters: Uncertain significance (2). Last evaluated 2025-12-09.

Conditions:
Inborn genetic diseases. Identifiers: MedGen C0950123, MeSH D030342.

Allele frequency attached by ClinVar (database versions not stated): ExAC 0.00002; gnomAD exomes 0.00002; gnomAD 0.00018 and 0.00019; TOPMed 0.00041; 1000 Genomes Project 0.00060; 1000 Genomes Project 30x 0.00062.
gnomAD v4.1: 56 of 1,614,000 alleles (0.0035%); highest among the groups gnomAD compares: Admixed American, 0.057%; no homozygotes.

Submissions (2):

Labcorp Genetics (formerly Invitae), Labcorp
Classification: Uncertain significance. Last evaluated: 2025-12-09. Review status: criteria provided, single submitter. Criteria: Invitae Variant Classification Sherloc (09022015). Collection method: clinical testing. Allele origin: germline.
Comment: This sequence change replaces threonine, which is neutral and polar, with isoleucine, which is neutral and non-polar, at codon 2516 of the VCAN protein (p.Thr2516Ile). This variant is present in population databases (rs79327411, gnomAD 0.009%). This missense change has been observed in individual(s) with retinitis pigmentosa (internal data). ClinVar contains an entry for this variant (Variation ID: 860469). An algorithm developed to predict the effect of missense changes on protein structure and function (PolyPhen-2) suggests that this variant is likely to be disruptive. In summary, the available evidence is currently insufficient to determine the role of this variant in disease. Therefore, it has been classified as a Variant of Uncertain Significance.

Ambry Genetics
Classification: Uncertain significance for Inborn genetic diseases. Last evaluated: 2023-12-18. Review status: criteria provided, single submitter. Criteria: Ambry Variant Classification Scheme 2023. Collection method: clinical testing. Allele origin: germline.